The following is an entry in ClinVar:

ClinVar aggregate classification (germline): Uncertain significance (1 of 4 stars; one submission).

Allele frequency attached by ClinVar (database versions not stated): gnomAD exomes 0.00001 and 0.00002; TOPMed 0.00001; gnomAD 0.00002; ExAC 0.00004.
gnomAD v4.1: 16 of 1,613,868 alleles (0.00099%); highest among the groups gnomAD compares: African/African-American, 0.004%; no homozygotes.

Submission:

Labcorp Genetics (formerly Invitae), Labcorp
Classification: Uncertain significance. Last evaluated: 2022-11-29. Review status: criteria provided, single submitter. Criteria: Invitae Variant Classification Sherloc (09022015). Collection method: clinical testing. Allele origin: germline.
Comment: In summary, the available evidence is currently insufficient to determine the role of this variant in disease. Therefore, it has been classified as a Variant of Uncertain Significance. Advanced modeling of protein sequence and biophysical properties (such as structural, functional, and spatial information, amino acid conservation, physicochemical variation, residue mobility, and thermodynamic stability) performed at Invitae indicates that this missense variant is expected to disrupt P3H2 protein function. ClinVar contains an entry for this variant (Variation ID: 841560). This variant has not been reported in the literature in individuals affected with P3H2-related conditions. This variant is present in population databases (rs779827734, gnomAD 0.008%). This sequence change replaces tyrosine, which is neutral and polar, with cysteine, which is neutral and slightly polar, at codon 349 of the P3H2 protein (p.Tyr349Cys).

NM_018192.4(P3H2):c.1046A>G (p.Tyr349Cys)

Gene: P3H2 (prolyl 3-hydroxylase 2; minus strand). Cytogenetic location: 3q28.
Variant type: single nucleotide variant.
Coding change: c.1046A>G on transcript NM_018192.4 (MANE Select); coding-DNA position 1046, A replaced by G.
Protein change: p.Tyr349Cys; replaces tyrosine 349 with cysteine.
Molecular consequence: missense variant.
Genome position (GRCh38, 1-based): chr3:189,987,579, T>C on the plus strand (A>G on the coding strand, the complement: P3H2 is on the minus strand). VCF-style: chr3-189987579-T-C. GRCh37 (hg19) VCF-style: chr3-189705368-T-C.
Other names: c.503A>G, p.Tyr168Cys (NM_001134418.2); short protein forms Y349C, Y168C.
Identifiers: ClinVar variation 841560 (VCV000841560.6), dbSNP rs779827734, ClinGen allele CA2753130.
Genomic context (GRCh38, chr3:189,987,579, plus strand): 5'-GGTCTCACCTCTCTGGCCTCAATGGATGCCGGGTCAATGCTATCATCCAGCAGACTCTCA[T>C]AGTAATCCACATTGTCTAGGACATCCTCATCATCTGGATGGCATAGAAGATAGGCTTTGG-3'
Protein context (NP_060662.2, residues 339-359): DEDVLDNVDY[Tyr349Cys]ESLLDDSIDP